The following is an entry in ClinVar:

NM_001199107.2(TBC1D24):c.1166A>G (p.His389Arg)

Gene: TBC1D24 (TBC1 domain family member 24; plus strand). Cytogenetic location: 16p13.3.
Variant type: single nucleotide variant.
Coding change: c.1166A>G on transcript NM_001199107.2 (MANE Select); coding-DNA position 1166, A replaced by G.
Protein change: p.His389Arg; replaces histidine 389 with arginine.
Molecular consequence: missense variant.
Genome position (GRCh38, 1-based): chr16:2,499,380, A>G. VCF-style: chr16-2499380-A-G. GRCh37 (hg19) VCF-style: chr16-2549381-A-G.
Other names: c.1148A>G, p.His383Arg (NM_020705.3); short protein forms H383R, H389R.
Identifiers: ClinVar variation 1398636 (VCV001398636.8), dbSNP rs528162903, ClinGen allele CA7844186.

ClinVar aggregate classification (germline): Uncertain significance (1 of 4 stars; one submission).

Conditions:
Developmental and epileptic encephalopathy, 1 (DEE1). Also called: X-linked infantile spasms; West's syndrome; Tonic spasms with clustering, arrest of psychomotor development and hypsarrhythmia on EEG; X-Linked Infantile Spasm Syndrome; OHTAHARA SYNDROME, X-LINKED; INFANTILE SPASM SYNDROME, X-LINKED 1. Identifiers: MedGen C3463992, MONDO:0010632, OMIM 308350. Disease mechanism: loss of function.
Autosomal dominant nonsyndromic hearing loss 65. Also called: TBC1D24-Related Autosomal Dominant Nonsyndromic Hearing Loss (DFNA); Deafness, autosomal dominant 65. Identifiers: Orphanet 90635, MedGen C3892048, MONDO:0014470, OMIM 616044.

Allele frequency attached by ClinVar (database versions not stated): TOPMed below 0.00001; ExAC 0.00001; gnomAD 0.00001; gnomAD exomes 0.00001 and below 0.00001; 1000 Genomes Project 0.00020; 1000 Genomes Project 30x 0.00016.

Submission:

Labcorp Genetics (formerly Invitae), Labcorp
Classification: Uncertain significance for Developmental and epileptic encephalopathy, 1; Autosomal dominant nonsyndromic hearing loss 65. Last evaluated: 2026-02-02. Review status: criteria provided, single submitter. Criteria: Invitae Variant Classification Sherloc (09022015). Collection method: clinical testing. Allele origin: germline.
Comment: This sequence change replaces histidine, which is basic and polar, with arginine, which is basic and polar, at codon 389 of the TBC1D24 protein (p.His389Arg). This variant is present in population databases (rs528162903, gnomAD 0.003%). This variant has not been reported in the literature in individuals affected with TBC1D24-related conditions. ClinVar contains an entry for this variant (Variation ID: 1398636). Invitae Evidence Modeling of protein sequence and biophysical properties (such as structural, functional, and spatial information, amino acid conservation, physicochemical variation, residue mobility, and thermodynamic stability) indicates that this missense variant is not expected to disrupt TBC1D24 protein function with a negative predictive value of 80%. In summary, the available evidence is currently insufficient to determine the role of this variant in disease. Therefore, it has been classified as a Variant of Uncertain Significance.